The following is an entry in ClinVar:

NM_016628.5(WAC):c.207C>A (p.Tyr69Ter)

Gene: WAC (WW domain containing adaptor with coiled-coil; plus strand). Cytogenetic location: 10p12.1.
Variant type: single nucleotide variant.
Coding change: c.207C>A on transcript NM_016628.5 (MANE Select); coding-DNA position 207, C replaced by A.
Protein change: p.Tyr69Ter; replaces tyrosine 69 with a stop codon.
Molecular consequence: nonsense.
Genome position (GRCh38, 1-based): chr10:28,535,690, C>A. VCF-style: chr10-28535690-C-A. GRCh37 (hg19) VCF-style: chr10-28824619-C-A.
Other names: c.72C>A, p.Tyr24Ter (NM_100264.3); c.207C>A, p.Tyr69Ter (NM_100486.4); short protein forms Y24*, Y69*.
Identifiers: ClinVar variation 1710204 (VCV001710204.3), dbSNP rs2491536548, ClinGen allele CA376493719.

ClinVar aggregate classification (germline): Pathogenic. Review status: criteria provided, single submitter (1 of 4 stars). 2 submissions from 2 submitters: Pathogenic (1). 1 of the submissions does not count toward it.

Conditions:
DeSanto-Shinawi syndrome due to WAC point mutation (DESSH). Also called: Facial dysmorphism-developmental delay-behavioral abnormalities syndrome due to WAC point mutation; WAC-Related Intellectual Disability; DEVELOPMENTAL DELAY, BEHAVIORAL ABNORMALITIES, FACIAL DYSMORPHISM, AND OCULAR ABNORMALITIES. Identifiers: Orphanet 284169, Orphanet 466950, MedGen C5681129, MONDO:0014741, OMIM 616708.

Submissions (2):

Juno Genomics, Hangzhou Juno Genomics, Inc
Classification: Pathogenic for DeSanto-Shinawi syndrome due to WAC point mutation. Review status: criteria provided, single submitter. Criteria: ACMG Guidelines, 2015. Collection method: clinical testing. Allele origin: germline. Affected: yes.
Comment: Absent from controls (or at extremely low frequency if recessive) in Genome Aggregation Database.;De novo (both maternity and paternity confirmed) in a patient with the disease and no family history.;Null variant in a gene where loss of function (LOF) is a known mechanism of disease.;Patient's phenotype or family history is highly specific for a disease with a single genetic etiology.

Clinical Genetics Laboratory, University Hospital Schleswig-Holstein
Classification: Pathogenic for DeSanto-Shinawi syndrome due to WAC point mutation. Last evaluated: 2022-02-01. Review status: no assertion criteria provided. Collection method: clinical testing. Allele origin: germline. Affected: yes. Not counted in ClinVar's aggregate classification.